The following is an entry in ClinVar:

ClinVar aggregate classification (germline): Uncertain significance. Review status: criteria provided, multiple submitters, no conflicts (2 of 4 stars). 3 submissions from 3 submitters: Uncertain significance (3). Last evaluated 2026-02-11.

Conditions:
Imerslund-Grasbeck syndrome type 1 (IGS1). Also called: Megaloblastic anemia 1, Finnish type; MEGALOBLASTIC ANEMIA, 1; Imerslund-Gräsbeck syndrome 1. Identifiers: MedGen C4016819, MONDO:0100156, OMIM 261100.
Proteinuria, chronic benign. Identifiers: MedGen C5394384, MONDO:0030042, OMIM 618884.
Inborn genetic diseases. Identifiers: MedGen C0950123, MeSH D030342.

Allele frequency attached by ClinVar (database versions not stated): TOPMed 0.00006; gnomAD 0.00001.
gnomAD v4.1: 19 of 1,612,886 alleles (0.0012%); highest among the groups gnomAD compares: Admixed American, 0.017%; no homozygotes.

Submissions (3):

Women's Health and Genetics/Laboratory Corporation of America, LabCorp
Classification: Uncertain significance. Last evaluated: 2026-02-11. Review status: criteria provided, single submitter. Criteria: LabCorp Variant Classification Summary - May 2015. Collection method: clinical testing. Allele origin: germline.
Comment: Variant summary: CUBN c.8909G>A (p.Arg2970His) results in a non-conservative amino acid change in the encoded protein sequence. Algorithms developed to predict the effect of missense changes on protein structure and function are either unavailable or do not agree on the potential impact of this missense change. The variant allele was found at a frequency of 2.8e-05 in 247808 control chromosomes. The available data on variant occurrences in the general population are insufficient to allow any conclusion about variant significance. To our knowledge, no occurrence of c.8909G>A in individuals affected with CUBN-related conditions and no experimental evidence demonstrating its impact on protein function have been reported. ClinVar contains an entry for this variant (Variation ID: 3063830). Based on the evidence outlined above, the variant was classified as uncertain significance.

Ambry Genetics
Classification: Uncertain significance for Inborn genetic diseases. Last evaluated: 2025-09-27. Review status: criteria provided, single submitter. Criteria: Ambry Variant Classification Scheme 2023. Collection method: clinical testing. Allele origin: germline.

Fulgent Genetics
Classification: Uncertain significance for Imerslund-Grasbeck syndrome type 1; Proteinuria, chronic benign. Last evaluated: 2024-01-05. Review status: criteria provided, single submitter. Criteria: ACMG Guidelines, 2015. Collection method: clinical testing. Allele origin: germline.

NM_001081.4(CUBN):c.8909G>A (p.Arg2970His)

Gene: CUBN (cubilin; minus strand). Cytogenetic location: 10p13.
Variant type: single nucleotide variant.
Coding change: c.8909G>A on transcript NM_001081.4 (MANE Select); coding-DNA position 8909, G replaced by A.
Protein change: p.Arg2970His; replaces arginine 2970 with histidine.
Molecular consequence: missense variant.
Genome position (GRCh38, 1-based): chr10:16,877,094, C>T on the plus strand (G>A on the coding strand, the complement: CUBN is on the minus strand). VCF-style: chr10-16877094-C-T. GRCh37 (hg19) VCF-style: chr10-16919093-C-T.
Other names: short protein forms R2970H.
Identifiers: ClinVar variation 3063830 (VCV003063830.4), dbSNP rs540096595, ClinGen allele CA5422860.